The following is an entry in ClinVar:

NM_001126128.2(PROK2):c.24A>C (p.Pro8=)

Gene: PROK2 (prokineticin 2; minus strand). Cytogenetic location: 3p13.
Variant type: single nucleotide variant.
Coding change: c.24A>C on transcript NM_001126128.2 (MANE Select); coding-DNA position 24, A replaced by C.
Protein change: p.Pro8=; no amino-acid change (proline 8 retained).
Molecular consequence: synonymous variant.
Genome position (GRCh38, 1-based): chr3:71,785,029, T>G on the plus strand (A>C on the coding strand, the complement: PROK2 is on the minus strand). VCF-style: chr3-71785029-T-G. GRCh37 (hg19) VCF-style: chr3-71834180-T-G.
Other names: c.24A>C, p.Pro8= (NM_021935.4).
Identifiers: ClinVar variation 4989947 (VCV004989947.1).
Genomic context (GRCh38, chr3:71,785,029, plus strand): 5'-GGCGGCGTCCCCAGCGCGGGGCGTGAGCAGCAGCGGCGGCAGCAGCAAGAGGAGCAGGAG[T>G]GGGGCGCAGCACAGGCTCCTCATGGCGCCCTCGGGACTGGGCGGCCGCCGGAGGCAGTTG-3'
Protein context (NP_001119600.1, residues 1-18): MRSLCCA[Pro8=]LLLLLLLPPL

ClinVar aggregate classification (germline): Likely benign (1 of 4 stars; one submission).

Conditions:
PROK2-related disorder. Also called: PROK2-related condition.

gnomAD v4.1: 1 of 1,243,960 alleles (0.00008%); highest among the groups gnomAD compares: Admixed American, 0.0042%; no homozygotes.

Submission:

PreventionGenetics, part of Exact Sciences
Classification: Likely benign for PROK2-related condition. Last evaluated: 2025-06-25. Review status: criteria provided, single submitter. Criteria: ACMG Guidelines, 2015. Collection method: clinical testing. Allele origin: germline.
Comment: This variant is classified as likely benign based on ACMG/AMP sequence variant interpretation guidelines (Richards et al. 2015 PMID: 25741868, with internal and published modifications).